The following is an entry in ClinVar:

NM_005068.3(SIM1):c.1254G>A (p.Gln418=)

Genes: SIM1 (SIM bHLH transcription factor 1; minus strand), SIM1-AS1 (SIM1 antisense RNA 1; plus strand). Cytogenetic location: 6q16.3.
Variant type: single nucleotide variant.
Coding change: c.1254G>A on transcript NM_005068.3 (MANE Select); coding-DNA position 1254, G replaced by A.
Protein change: p.Gln418=; no amino-acid change (glutamine 418 retained).
Molecular consequence: synonymous variant. On other transcripts: non-coding transcript variant (1).
Genome position (GRCh38, 1-based): chr6:100,393,803, C>T on the plus strand (G>A on the coding strand, the complement: SIM1 is on the minus strand). VCF-style: chr6-100393803-C-T. GRCh37 (hg19) VCF-style: chr6-100841679-C-T.
Other names: c.1254G>A (NM_005068.2); c.1254G>A, p.Gln418= (NM_001374769.1).
Identifiers: ClinVar variation 4893547 (VCV004893547.2).

ClinVar aggregate classification (germline): Likely benign. Review status: criteria provided, multiple submitters, no conflicts (2 of 4 stars). 2 submissions from 2 submitters: Likely benign (2). Last evaluated 2024-12-17.

Conditions:
SIM1-related disorder. Also called: SIM1-related condition; SIM1-related disorders.

gnomAD v4.1: 74 of 1,613,656 alleles (0.0046%); highest among the groups gnomAD compares: Non-Finnish European, 0.006%; no homozygotes.

Submissions (2):

PreventionGenetics, part of Exact Sciences
Classification: Likely benign for SIM1-related condition. Last evaluated: 2024-12-17. Review status: criteria provided, single submitter. Criteria: ACMG Guidelines, 2015. Collection method: clinical testing. Allele origin: germline.
Comment: This variant is classified as likely benign based on ACMG/AMP sequence variant interpretation guidelines (Richards et al. 2015 PMID: 25741868, with internal and published modifications).

Blueprint Genetics
Classification: Likely benign. Last evaluated: 2024-02-05. Review status: criteria provided, single submitter. Criteria: ACMG Guidelines, 2015. Collection method: clinical testing. Allele origin: germline.